The following is an entry in ClinVar:

ClinVar aggregate classification (germline): Uncertain significance. Review status: criteria provided, multiple submitters, no conflicts (2 of 4 stars). 2 submissions from 2 submitters: Uncertain significance (2). Last evaluated 2026-01-07.

Conditions:
DST-related disorder. Also called: DST-related condition; DST-related disorders.
Epidermolysis bullosa simplex 3, localized or generalized intermediate, with BP230 deficiency (EBS3). Also called: Epidermolysis bullosa simplex, autosomal recessive 2; Epidermolysis bullosa simplex due to BP230 deficiency. Identifiers: Orphanet 412181, MedGen C3809470, MONDO:0014180, OMIM 615425.
Hereditary sensory and autonomic neuropathy type 6. Also called: HSAN VI; Neuropathy, hereditary sensory and autonomic, type VI. Identifiers: Orphanet 314381, MedGen C3539003, MONDO:0013839, OMIM 614653.

Allele frequency attached by ClinVar (database versions not stated): gnomAD exomes 0.00001 and 0.00002; ExAC 0.00002; TOPMed 0.00002; gnomAD 0.00003 and 0.00004; 1000 Genomes Project 30x 0.00031; 1000 Genomes Project 0.00040.
gnomAD v4.1: 18 of 1,613,906 alleles (0.0011%); highest among the groups gnomAD compares: Middle Eastern, 0.016%; no homozygotes.

Submissions (2):

PreventionGenetics, part of Exact Sciences
Classification: Uncertain significance for DST-related condition. Last evaluated: 2026-01-07. Review status: criteria provided, single submitter. Criteria: ACMG Guidelines, 2015. Collection method: clinical testing. Allele origin: germline.
Comment: The DST c.430C>T variant is predicted to result in the amino acid substitution p.Arg144Cys. To our knowledge, this variant has not been reported in the literature. This variant is reported in 0.0081% of alleles in individuals of African descent in gnomAD. At this time, the clinical significance of this variant is uncertain due to the absence of conclusive functional and genetic evidence.

Labcorp Genetics (formerly Invitae), Labcorp
Classification: Uncertain significance for Epidermolysis bullosa simplex 3, localized or generalized intermediate, with BP230 deficiency; Hereditary sensory and autonomic neuropathy type 6. Last evaluated: 2021-09-08. Review status: criteria provided, single submitter. Criteria: Invitae Variant Classification Sherloc (09022015). Collection method: clinical testing. Allele origin: germline.
Comment: This sequence change replaces arginine with cysteine at codon 144 of the DST protein (p.Arg144Cys). The arginine residue is highly conserved and there is a large physicochemical difference between arginine and cysteine. The frequency data for this variant in the population databases is considered unreliable, as metrics indicate poor data quality at this position in the ExAC database. This variant has not been reported in the literature in individuals affected with DST-related conditions. Algorithms developed to predict the effect of missense changes on protein structure and function (SIFT, PolyPhen-2, Align-GVGD) all suggest that this variant is likely to be disruptive. In summary, the available evidence is currently insufficient to determine the role of this variant in disease. Therefore, it has been classified as a Variant of Uncertain Significance.

NM_001374736.1(DST):c.2041C>T (p.Arg681Cys)

Gene: DST (dystonin; minus strand). Cytogenetic location: 6p12.1.
Variant type: single nucleotide variant.
Coding change: c.2041C>T on transcript NM_001374736.1 (MANE Select); coding-DNA position 2041, C replaced by T.
Protein change: p.Arg681Cys; replaces arginine 681 with cysteine.
Molecular consequence: missense variant.
Genome position (GRCh38, 1-based): chr6:56,640,592, G>A on the plus strand (C>T on the coding strand, the complement: DST is on the minus strand). VCF-style: chr6-56640592-G-A. GRCh37 (hg19) VCF-style: chr6-56505390-G-A.
Other names: c.1942C>T, p.Arg648Cys (NM_001144769.5); c.1528C>T, p.Arg510Cys (NM_001144770.2); c.2041C>T, p.Arg681Cys (NM_001374722.1); c.1408C>T, p.Arg470Cys (NM_001374729.1, NM_001374730.1, NM_001386100.1 and 1 more transcripts); c.2068C>T, p.Arg690Cys (NM_001374734.1); c.430C>T, p.Arg144Cys (NM_001723.7, NM_015548.5); short protein forms R144C, R470C, R510C, R648C, R681C, R690C.
Identifiers: ClinVar variation 582630 (VCV000582630.7), dbSNP rs543868808, ClinGen allele CA3871494.
Genomic context (GRCh38, chr6:56,640,592, plus strand): 5'-GTATGCGTCCTTTGCTGTACACAGAAGAACATTCGTTCCTTAAGGCCATAATTTCGTCAC[G>A]CAGTTTTGCAACCCTGAAAAGAAAATCCAAAGGGATAAGGTGAAATATAAAGGCACTTGT-3'
Protein context (NP_001361665.1, residues 671-691): DQLVQRVAKL[Arg681Cys]DEIMALRNEC